The following is an entry in ClinVar:

NM_001111.5(ADAR):c.2321C>T (p.Ala774Val)

Gene: ADAR (adenosine deaminase RNA specific; minus strand). Cytogenetic location: 1q21.3.
Variant type: single nucleotide variant.
Coding change: c.2321C>T on transcript NM_001111.5 (MANE Select); coding-DNA position 2321, C replaced by T.
Protein change: p.Ala774Val; replaces alanine 774 with valine.
Molecular consequence: missense variant.
Genome position (GRCh38, 1-based): chr1:154,590,359, G>A on the plus strand (C>T on the coding strand, the complement: ADAR is on the minus strand). VCF-style: chr1-154590359-G-A. GRCh37 (hg19) VCF-style: chr1-154562835-G-A.
Other names: c.1436C>T, p.Ala479Val (NM_001025107.3, NM_001193495.2, NM_001365046.1 and 3 more transcripts); c.2348C>T, p.Ala783Val (NM_001365045.1); c.2321C>T, p.Ala774Val (NM_015840.4); c.2264C>T, p.Ala755Val (NM_015841.4); short protein forms A479V, A755V, A783V, A774V.
Identifiers: ClinVar variation 2922423 (VCV002922423.3), dbSNP rs2526525039, ClinGen allele CA342637511.

ClinVar aggregate classification (germline): Uncertain significance (1 of 4 stars; one submission).

Conditions:
Symmetrical dyschromatosis of extremities (DSH). Also called: DYSCHROMATOSIS SYMMETRICA HEREDITARIA 1; RETICULATE ACROPIGMENTATION OF DOHI; SYMMETRIC DYSCHROMATOSIS OF THE EXTREMITIES; Dyschromatosis symmetrica hereditaria. Identifiers: Orphanet 41, MedGen C0406775, MONDO:0007483, OMIM 127400.
Aicardi-Goutieres syndrome 6 (AGS6). Identifiers: Orphanet 51, MedGen C3539013, MONDO:0014007, OMIM 615010.

Submission:

Labcorp Genetics (formerly Invitae), Labcorp
Classification: Uncertain significance for Aicardi-Goutieres syndrome 6; Symmetrical dyschromatosis of extremities. Last evaluated: 2024-01-25. Review status: criteria provided, single submitter. Criteria: Invitae Variant Classification Sherloc (09022015). Collection method: clinical testing. Allele origin: germline.
Comment: This sequence change replaces alanine, which is neutral and non-polar, with valine, which is neutral and non-polar, at codon 774 of the ADAR protein (p.Ala774Val). This variant is not present in population databases (gnomAD no frequency). This variant has not been reported in the literature in individuals affected with ADAR-related conditions. Advanced modeling of protein sequence and biophysical properties (such as structural, functional, and spatial information, amino acid conservation, physicochemical variation, residue mobility, and thermodynamic stability) performed at Invitae indicates that this missense variant is not expected to disrupt ADAR protein function with a negative predictive value of 80%. In summary, the available evidence is currently insufficient to determine the role of this variant in disease. Therefore, it has been classified as a Variant of Uncertain Significance.